The following is an entry in ClinVar:

ClinVar aggregate classification (germline): Likely benign (1 of 4 stars; one submission).

Conditions:
NDP-related disorder. Also called: NDP-related condition.

Submission:

PreventionGenetics, part of Exact Sciences
Classification: Likely benign for NDP-related condition. Last evaluated: 2026-05-11. Review status: criteria provided, single submitter. Criteria: ACMG Guidelines, 2015. Collection method: clinical testing. Allele origin: germline.
Comment: This variant is classified as likely benign based on ACMG/AMP sequence variant interpretation guidelines (Richards et al. 2015 PMID: 25741868, with internal and published modifications).

NM_000266.3(NDP):c.-398_-395delTCTC

Gene: NDP (norrin cystine knot growth factor NDP; minus strand). Cytogenetic location: Xp11.3.
Variant type: Microsatellite.
Coding change: c.-398_-395delTCTC on transcript NM_000266.3; 398 bases upstream of the start codon through 395 bases upstream of the start codon, 4 bases deleted (TCTC).
Genome position (GRCh38, 1-based): chrX:43,973,491-43,973,494, GAGA deleted on the plus strand (TCTC on the coding strand, the reverse complement: NDP is on the minus strand); deleting any 4 consecutive bases within chrX:43,973,491-43,973,503 gives the same sequence; the c. name uses the placement nearest the transcript's 3' end. VCF-style (leftmost placement, unchanged base first): chrX-43973490-GGAGA-G. GRCh37 (hg19) VCF-style: chrX-43832736-GGAGA-G.
Identifiers: ClinVar variation 4985834 (VCV004985834.1).
Genomic context (GRCh38, chrX:43,973,490, plus strand): 5'-CACAAAAGTTAGGACTGTTGTTTAAGCGACACAGGGAGAGAGAGAGAGGGAGAGAGAGAG[GGAGA>G]GAGAGAGAGGGAGAGAGAGAGAGAGAATGTCAAATGGAAAAGTGCCATTGCAGTCATATA-3'